The following is an entry in ClinVar:

ClinVar aggregate classification (germline): Uncertain significance (1 of 4 stars; one submission).

Submission:

GeneDx
Classification: Uncertain significance. Last evaluated: 2024-07-31. Review status: criteria provided, single submitter. Criteria: GeneDx Variant Classification Process June 2021. Collection method: clinical testing. Allele origin: germline. Affected: yes.
Comment: Not observed at significant frequency in large population cohorts (gnomAD); In silico analysis indicates that this missense variant does not alter protein structure/function; Has not been previously published as pathogenic or benign to our knowledge

NM_017780.4(CHD7):c.3227A>G (p.Lys1076Arg)

Gene: CHD7 (chromodomain helicase DNA binding protein 7; plus strand). Cytogenetic location: 8q12.2.
Variant type: single nucleotide variant.
Coding change: c.3227A>G on transcript NM_017780.4 (MANE Select); coding-DNA position 3227, A replaced by G.
Protein change: p.Lys1076Arg; replaces lysine 1076 with arginine.
Molecular consequence: missense variant. On other transcripts: intron variant (1).
Genome position (GRCh38, 1-based): chr8:60,823,865, A>G. VCF-style: chr8-60823865-A-G. GRCh37 (hg19) VCF-style: chr8-61736424-A-G.
Other names: c.1717-38364A>G (NM_001316690.1); short protein forms K1076R.
Identifiers: ClinVar variation 3602466 (VCV003602466.1).